The following is an entry in ClinVar:

ClinVar aggregate classification (germline): Uncertain significance. Review status: criteria provided, multiple submitters, no conflicts (2 of 4 stars). 2 submissions from 2 submitters: Uncertain significance (2). Last evaluated 2025-08-06.

Conditions:
Inborn genetic diseases. Identifiers: MedGen C0950123, MeSH D030342.
Polyglandular autoimmune syndrome, type 1 (APS1). Also called: AUTOIMMUNE POLYENDOCRINE SYNDROME, TYPE I, WITH OR WITHOUT REVERSIBLE METAPHYSEAL DYSPLASIA; APS I; Autoimmune polyendocrine syndrome type 1; Autoimmune polyendocrinopathy syndrome, type I; HYPOADRENOCORTICISM WITH HYPOPARATHYROIDISM AND SUPERFICIAL MONILIASIS; PGA I. Identifiers: Orphanet 3453, MedGen C0085859, MONDO:0009411, OMIM 240300.

Allele frequency attached by ClinVar (database versions not stated): gnomAD exomes below 0.00001; gnomAD 0.00001; TOPMed 0.00001.

Submissions (2):

Labcorp Genetics (formerly Invitae), Labcorp
Classification: Uncertain significance for Polyglandular autoimmune syndrome, type 1. Last evaluated: 2025-08-06. Review status: criteria provided, single submitter. Criteria: Invitae Variant Classification Sherloc (09022015). Collection method: clinical testing. Allele origin: germline.
Comment: This sequence change replaces glycine, which is neutral and non-polar, with alanine, which is neutral and non-polar, at codon 197 of the AIRE protein (p.Gly197Ala). This variant is not present in population databases (gnomAD no frequency). This variant has not been reported in the literature in individuals affected with AIRE-related conditions. ClinVar contains an entry for this variant (Variation ID: 578977). Invitae Evidence Modeling of protein sequence and biophysical properties (such as structural, functional, and spatial information, amino acid conservation, physicochemical variation, residue mobility, and thermodynamic stability) has been performed for this missense variant. However, the output from this modeling did not meet the statistical confidence thresholds required to predict the impact of this variant on AIRE protein function. In summary, the available evidence is currently insufficient to determine the role of this variant in disease. Therefore, it has been classified as a Variant of Uncertain Significance.

Ambry Genetics
Classification: Uncertain significance for Inborn genetic diseases. Last evaluated: 2024-03-07. Review status: criteria provided, single submitter. Criteria: Ambry Variant Classification Scheme 2023. Collection method: clinical testing. Allele origin: germline.

NM_000383.4(AIRE):c.590G>C (p.Gly197Ala)

Gene: AIRE (autoimmune regulator; plus strand). Cytogenetic location: 21q22.3.
Variant type: single nucleotide variant.
Coding change: c.590G>C on transcript NM_000383.4 (MANE Select); coding-DNA position 590, G replaced by C.
Protein change: p.Gly197Ala; replaces glycine 197 with alanine.
Molecular consequence: missense variant.
Genome position (GRCh38, 1-based): chr21:44,288,396, G>C. VCF-style: chr21-44288396-G-C. GRCh37 (hg19) VCF-style: chr21-45708279-G-C.
Other names: c.590G>C (NM_000383.2); short protein forms G197A.
Identifiers: ClinVar variation 578977 (VCV000578977.9), dbSNP rs1185406745, ClinGen allele CA410424162.